The following is an entry in ClinVar:

NM_000032.5(ALAS2):c.514G>A (p.Ala172Thr)

Gene: ALAS2 (5'-aminolevulinate synthase 2; minus strand). Cytogenetic location: Xp11.21.
Variant type: single nucleotide variant.
Coding change: c.514G>A on transcript NM_000032.5 (MANE Select); coding-DNA position 514, G replaced by A.
Protein change: p.Ala172Thr; replaces alanine 172 with threonine.
Molecular consequence: missense variant.
Genome position (GRCh38, 1-based): chrX:55,021,176, C>T on the plus strand (G>A on the coding strand, the complement: ALAS2 is on the minus strand). VCF-style: chrX-55021176-C-T. GRCh37 (hg19) VCF-style: chrX-55047609-C-T.
Other names: c.514G>A, p.Ala172Thr (LRG_1163t1); c.403G>A, p.Ala135Thr (NM_001037967.4); c.475G>A, p.Ala159Thr (NM_001037968.4); short protein forms A172T, A159T, A135T.
Identifiers: ClinVar variation 10473 (VCV000010473.3), dbSNP rs137852304, ClinGen allele CA121083.

ClinVar aggregate classification (germline): Conflicting classifications of pathogenicity. Review status: criteria provided, conflicting classifications (1 of 4 stars). 3 submissions from 3 submitters: Likely pathogenic (1); Uncertain significance (1). 1 of the submissions does not count toward it. Last evaluated 2025-08-04.

Conditions:
Sideroblastic anemia 1, late-onset. Also called: Anemia, hereditary sideroblastic, late-onset. Identifiers: MedGen C4225593.
X-linked sideroblastic anemia 1. Also called: Erythroid 5-aminolevulinate synthase deficiency; X chromosome-linked sideroblastic anemia; ANEMIA, SIDEROBLASTIC, 1, PYRIDOXINE REFRACTORY; X-linked pyridoxine-refractory sideroblastic anemia; Anemia, sideroblastic, 1; Anemia, hereditary sideroblastic 1, pyridoxine refractory. Identifiers: Orphanet 75563, MedGen C4551511, MONDO:0020721, OMIM 300751. Disease mechanism: loss of function.

Allele frequency attached by ClinVar (database versions not stated): ExAC 0.00001; gnomAD exomes 0.00001.
gnomAD v4.1: 12 of 1,211,483 alleles (0.00099%); highest among the groups gnomAD compares: Non-Finnish European, 0.0013%; no homozygotes.

Submissions (3):

Labcorp Genetics (formerly Invitae), Labcorp
Classification: Uncertain significance. Last evaluated: 2025-08-04. Review status: criteria provided, single submitter. Criteria: Invitae Variant Classification Sherloc (09022015). Collection method: clinical testing. Allele origin: germline.
Comment: This sequence change replaces alanine, which is neutral and non-polar, with threonine, which is neutral and polar, at codon 172 of the ALAS2 protein (p.Ala172Thr). This variant is present in population databases (rs137852304, gnomAD 0.003%). This missense change has been observed in individual(s) with clinical features of congenital sideroblastic anemia (PMID: 7560104). ClinVar contains an entry for this variant (Variation ID: 10473). Invitae Evidence Modeling of protein sequence and biophysical properties (such as structural, functional, and spatial information, amino acid conservation, physicochemical variation, residue mobility, and thermodynamic stability) indicates that this missense variant is not expected to disrupt ALAS2 protein function with a negative predictive value of 95%. Experimental studies have shown that this missense change affects ALAS2 function (PMID: 7560104). In summary, the available evidence is currently insufficient to determine the role of this variant in disease. Therefore, it has been classified as a Variant of Uncertain Significance.

Laboratory of Medical Genetics, National & Kapodistrian University of Athens
Classification: Likely pathogenic for X-linked sideroblastic anemia 1. Last evaluated: 2021-10-05. Review status: criteria provided, single submitter. Criteria: ACMG Guidelines, 2015. Collection method: clinical testing. Allele origin: unknown. Affected: yes.
Comment: PM2, PP2, PP3, PP5

OMIM
Classification: Pathogenic for ANEMIA, SIDEROBLASTIC, 1, LATE-ONSET. Last evaluated: 1995-10-01. Review status: no assertion criteria provided. Collection method: literature only. Allele origin: germline. Not counted in ClinVar's aggregate classification.

Literature cited by the submitters: PubMed 7560104 (cited by Labcorp Genetics (formerly Invitae), Labcorp and OMIM).